The following is an entry in ClinVar:

ClinVar aggregate classification (germline): Likely benign (1 of 4 stars; one submission).

Submission:

GeneDx
Classification: Likely benign. Last evaluated: 2018-05-04. Review status: criteria provided, single submitter. Criteria: GeneDx Variant Classification (06012015). Collection method: clinical testing. Allele origin: germline. Affected: yes.
Comment: This variant is considered likely benign or benign based on one or more of the following criteria: it is a conservative change, it occurs at a poorly conserved position in the protein, it is predicted to be benign by multiple in silico algorithms, and/or has population frequency not consistent with disease.

NM_018136.5(ASPM):c.9444+6CTT[2]

Gene: ASPM (assembly factor for spindle microtubules; minus strand). Cytogenetic location: 1q31.3.
Variant type: Microsatellite.
Coding change: c.9444+6CTT[2] on transcript NM_018136.5 (MANE Select); two copies in a row of the 3-base unit CTT starting at c.9444+6; the reference has three copies in a row; one copy, 3 bases deleted.
Molecular consequence: intron variant.
Genome position (GRCh38, 1-based): chr1:197,091,893-197,091,895, AAG deleted on the plus strand (CTT on the coding strand, the reverse complement: ASPM is on the minus strand); deleting any 3 consecutive bases within chr1:197,091,893-197,091,901 gives the same sequence; the position shown is the placement nearest the transcript's 3' end. VCF-style (leftmost placement, unchanged base first): chr1-197091892-AAAG-A. GRCh37 (hg19) VCF-style: chr1-197061022-AAAG-A.
Other names: c.4689+6CTT[2] (NM_001206846.2).
Identifiers: ClinVar variation 668152 (VCV000668152.1), dbSNP rs1343079921, ClinGen allele CA729743713.